The following is an entry in ClinVar:

ClinVar aggregate classification (germline): Conflicting classifications of pathogenicity. Review status: criteria provided, conflicting classifications (1 of 4 stars). 4 submissions from 4 submitters: Pathogenic (1); Uncertain significance (2). 1 of the submissions does not count toward it. Last evaluated 2025-10-16.

Conditions:
Mucopolysaccharidosis type 1. Also called: IDUA deficiency; MPS I; Mucopolysaccharidosis Type I. Identifiers: Orphanet 579, MedGen C0023786, MONDO:0001586.

Submissions (4):

Women's Health and Genetics/Laboratory Corporation of America, LabCorp
Classification: Uncertain significance. Last evaluated: 2025-10-16. Review status: criteria provided, single submitter. Criteria: LabCorp Variant Classification Summary - May 2015. Collection method: clinical testing. Allele origin: germline.
Comment: Variant summary: IDUA c.1460G>T (p.Trp487Leu) results in a non-conservative amino acid change in the encoded protein sequence. Algorithms developed to predict the effect of missense changes on protein structure and function all suggest that this variant is likely to be disruptive. The variant was absent in 152680 control chromosomes. The available data on variant occurrences in the general population are insufficient to allow any conclusion about variant significance. These data do not allow any conclusion about variant significance. To our knowledge, no experimental evidence demonstrating an impact on protein function has been reported. ClinVar contains an entry for this variant (Variation ID: 970029). Based on the evidence outlined above, the variant was classified as uncertain significance.

Labcorp Genetics (formerly Invitae), Labcorp
Classification: Pathogenic for Mucopolysaccharidosis type 1. Last evaluated: 2025-09-23. Review status: criteria provided, single submitter. Criteria: Invitae Variant Classification Sherloc (09022015). Collection method: clinical testing. Allele origin: germline.
Comment: This sequence change replaces tryptophan, which is neutral and slightly polar, with leucine, which is neutral and non-polar, at codon 487 of the IDUA protein (p.Trp487Leu). This variant is not present in population databases (gnomAD no frequency). This missense change has been observed in individual(s) with clinical features of IDUA-related conditions (internal data). In at least one individual the data is consistent with being in trans (on the opposite chromosome) from a pathogenic variant. ClinVar contains an entry for this variant (Variation ID: 970029). Invitae Evidence Modeling of protein sequence and biophysical properties (such as structural, functional, and spatial information, amino acid conservation, physicochemical variation, residue mobility, and thermodynamic stability) indicates that this missense variant is expected to disrupt IDUA protein function with a positive predictive value of 95%. For these reasons, this variant has been classified as Pathogenic.

Revvity Omics, Revvity
Classification: Uncertain significance. Last evaluated: 2024-12-29. Review status: criteria provided, single submitter. Criteria: ACMG Guidelines, 2015. Collection method: clinical testing. Allele origin: germline.

Natera, Inc.
Classification: Uncertain significance for Mucopolysaccharidosis type I. Last evaluated: 2021-02-22. Review status: no assertion criteria provided. Collection method: clinical testing. Allele origin: germline. Not counted in ClinVar's aggregate classification.

NM_000203.5(IDUA):c.1460G>T (p.Trp487Leu)

Gene: IDUA (alpha-L-iduronidase; plus strand). Cytogenetic location: 4p16.3.
Variant type: single nucleotide variant.
Coding change: c.1460G>T on transcript NM_000203.5 (MANE Select); coding-DNA position 1460, G replaced by T.
Protein change: p.Trp487Leu; replaces tryptophan 487 with leucine.
Molecular consequence: missense variant. On other transcripts: non-coding transcript variant (1).
Genome position (GRCh38, 1-based): chr4:1,003,093, G>T. VCF-style: chr4-1003093-G-T. GRCh37 (hg19) VCF-style: chr4-996881-G-T.
Other names: c.1064G>T, p.Trp355Leu (NM_001363576.1); short protein forms W355L, W487L.
Identifiers: ClinVar variation 970029 (VCV000970029.15), dbSNP rs1715210316, ClinGen allele CA355964639.